The following is an entry in ClinVar:

ClinVar aggregate classification (germline): Uncertain significance (1 of 4 stars; one submission).

Conditions:
Familial hemophagocytic lymphohistiocytosis 5. Also called: STXBP2-Related Familial Hemophagocytic Lymphohistiocytosis (STXBP2-fHLH). Identifiers: Orphanet 540, MedGen C2751293, MONDO:0013135, OMIM 613101.

Submission:

Labcorp Genetics (formerly Invitae), Labcorp
Classification: Uncertain significance for Familial hemophagocytic lymphohistiocytosis 5. Last evaluated: 2019-02-14. Review status: criteria provided, single submitter. Criteria: Invitae Variant Classification Sherloc (09022015). Collection method: clinical testing. Allele origin: germline.
Comment: This variant has been observed in an individual affected with hemophagocytic lymphohistiocytosis (PMID: 20558610). This variant is not present in population databases (ExAC no frequency). This variant, c.769_771del, results in the deletion of 1 amino acid(s) of the STXBP2 protein (p.Leu257del), but otherwise preserves the integrity of the reading frame. Experimental studies and prediction algorithms are not available for this variant, and the functional significance of the affected amino acid(s) is currently unknown. In summary, the available evidence is currently insufficient to determine the role of this variant in disease. Therefore, it has been classified as a Variant of Uncertain Significance.

Literature cited by the submitters: PubMed 20558610.

NM_006949.4(STXBP2):c.766CTG[1] (p.Leu257del)

Gene: STXBP2 (syntaxin binding protein 2; plus strand). Cytogenetic location: 19p13.2.
Variant type: Microsatellite.
Coding change: c.766CTG[1] on transcript NM_006949.4 (MANE Select); one copy of the 3-base unit CTG starting at c.766; the reference has two copies in a row; one copy, 3 bases deleted.
Protein change: p.Leu257del; deletes leucine 257.
Molecular consequence: inframe deletion. On other transcripts: non-coding transcript variant (1).
Genome position (GRCh38, 1-based): chr19:7,642,308-7,642,310, CTG deleted; deleting any 3 consecutive bases within chr19:7,642,305-7,642,310 gives the same sequence; the position shown is the placement nearest the transcript's 3' end. VCF-style (leftmost placement, unchanged base first): chr19-7642304-TCTG-T. GRCh37 (hg19) VCF-style: chr19-7707190-TCTG-T.
Other names: c.757CTG[1], p.Leu254del (NM_001127396.3); c.799CTG[1], p.Leu268del (NM_001272034.2); short protein forms L254del, L257del, L268del.
Identifiers: ClinVar variation 858262 (VCV000858262.10), dbSNP rs2031920971, ClinGen allele CA916081216.